The following is an entry in ClinVar:

NM_003803.4(MYOM1):c.1252G>C (p.Glu418Gln)

Gene: MYOM1 (myomesin 1; minus strand). Cytogenetic location: 18p11.31.
Variant type: single nucleotide variant.
Coding change: c.1252G>C on transcript NM_003803.4 (MANE Select); coding-DNA position 1252, G replaced by C.
Protein change: p.Glu418Gln; replaces glutamic acid 418 with glutamine.
Molecular consequence: missense variant.
Genome position (GRCh38, 1-based): chr18:3,168,904, C>G on the plus strand (G>C on the coding strand, the complement: MYOM1 is on the minus strand). VCF-style: chr18-3168904-C-G. GRCh37 (hg19) VCF-style: chr18-3168902-C-G.
Other names: c.1252G>C, p.Glu418Gln (NM_019856.2); c.1252G>C (NM_003803.3); short protein forms E418Q.
Identifiers: ClinVar variation 1022399 (VCV001022399.9), dbSNP rs1567947051, ClinGen allele CA401715291.
Genomic context (GRCh38, chr18:3,168,904, plus strand): 5'-GGAAATGTTTAATTTCAGGAGTGATGACAACACGACAGCCTAGACTCATTGTCTCTCCCT[C>G]TCTCCCAAAAGACACATCAAATTTGTCATCAAAGTGGATCTCAAACCGGGATGCATAACC-3'
Protein context (NP_003794.3, residues 408-428): DDKFDVSFGR[Glu418Gln]GETMSLGCRV

ClinVar aggregate classification (germline): Uncertain significance. Review status: criteria provided, multiple submitters, no conflicts (2 of 4 stars). 2 submissions from 2 submitters: Uncertain significance (2). Last evaluated 2025-10-01.

Conditions:
Hypertrophic cardiomyopathy. Also called: HYPERTROPHIC MYOCARDIOPATHY. Identifiers: Orphanet 217569, MedGen C0007194, MeSH D002312, MONDO:0005045, HP:0001639.

Allele frequency attached by ClinVar (database versions not stated): gnomAD exomes below 0.00001.
gnomAD v4.1: 7 of 1,613,852 alleles (0.00043%); highest among the groups gnomAD compares: Non-Finnish European, 0.00051%; no homozygotes.

Submissions (2):

Ambry Genetics
Classification: Uncertain significance. Last evaluated: 2025-10-01. Review status: criteria provided, single submitter. Criteria: Ambry Variant Classification Scheme 2023. Collection method: clinical testing. Allele origin: germline.
Comment: The p.E418Q variant (also known as c.1252G>C), located in coding exon 8 of the MYOM1 gene, results from a G to C substitution at nucleotide position 1252. The glutamic acid at codon 418 is replaced by glutamine, an amino acid with highly similar properties. This amino acid position is conserved. In addition, the in silico prediction for this alteration is inconclusive. Based on the available evidence, the clinical significance of this variant remains unclear.

Labcorp Genetics (formerly Invitae), Labcorp
Classification: Uncertain significance for Hypertrophic cardiomyopathy. Last evaluated: 2020-01-08. Review status: criteria provided, single submitter. Criteria: Invitae Variant Classification Sherloc (09022015). Collection method: clinical testing. Allele origin: germline.
Comment: In summary, the available evidence is currently insufficient to determine the role of this variant in disease. Therefore, it has been classified as a Variant of Uncertain Significance. Algorithms developed to predict the effect of missense changes on protein structure and function are either unavailable or do not agree on the potential impact of this missense change (SIFT: "Tolerated"; PolyPhen-2: "Probably Damaging"; Align-GVGD: "Class C0"). This variant has not been reported in the literature in individuals with MYOM1-related conditions. This variant is not present in population databases (ExAC no frequency). This sequence change replaces glutamic acid with glutamine at codon 418 of the MYOM1 protein (p.Glu418Gln). The glutamic acid residue is highly conserved and there is a small physicochemical difference between glutamic acid and glutamine.